The following is an entry in ClinVar:

NM_000388.4(CASR):c.2904_2924del (p.Gly969_Phe975del)

Gene: CASR (calcium sensing receptor; plus strand). Cytogenetic location: 3q21.1.
Variant type: Deletion.
Coding change: c.2904_2924del on transcript NM_000388.4 (MANE Select); coding-DNA positions 2904 to 2924, 21 bases deleted (TGGCAGCGGCACGGTCACCTT).
Protein change: p.Gly969_Phe975del.
Molecular consequence: inframe deletion.
Genome position (GRCh38, 1-based): chr3:122,284,858-122,284,878, TGGCAGCGGCACGGTCACCTT deleted; deleting any 21 consecutive bases within chr3:122,284,855-122,284,878 gives the same sequence; the c. name uses the placement nearest the transcript's 3' end. VCF-style (leftmost placement, unchanged base first): chr3-122284854-TCTTTGGCAGCGGCACGGTCAC-T. GRCh37 (hg19) VCF-style: chr3-122003701-TCTTTGGCAGCGGCACGGTCAC-T.
Other names: c.2934_2954del, p.Gly979_Phe985del (NM_001178065.2).
Identifiers: ClinVar variation 861507 (VCV000861507.10), dbSNP rs2074948607, ClinGen allele CA916082596.
Genomic context (GRCh38, chr3:122,284,854, plus strand): 5'-CCCTGACCCTCCCACAGCAGCAACGATCTCAGCAGCAGCCCAGATGCAAGCAGAAGGTCA[TCTTTGGCAGCGGCACGGTCAC>T]CTTCTCACTGAGCTTTGATGAGCCTCAGAAGAACGCCATGGCCCACAGGAATTCTACGCA-3'

ClinVar aggregate classification (germline): Uncertain significance (1 of 4 stars; one submission).

Conditions:
Familial hypocalciuric hypercalcemia (FHH). Also called: Familial benign hypercalcemia. Identifiers: Orphanet 405, MedGen C1809471, MONDO:0018458.
Autosomal dominant hypocalcemia 1 (HYPOC1). Also called: HYPOCALCEMIA, FAMILIAL. Identifiers: MedGen C3715128, MONDO:0011013, OMIM 601198.

Submission:

Labcorp Genetics (formerly Invitae), Labcorp
Classification: Uncertain significance for Familial hypocalciuric hypercalcemia; Autosomal dominant hypocalcemia 1. Last evaluated: 2019-01-13. Review status: criteria provided, single submitter. Criteria: Invitae Variant Classification Sherloc (09022015). Collection method: clinical testing. Allele origin: germline.
Comment: In summary, the available evidence is currently insufficient to determine the role of this variant in disease. Therefore, it has been classified as a Variant of Uncertain Significance. Experimental studies and prediction algorithms are not available for this variant, and the functional significance of the affected amino acid(s) is currently unknown. This variant has not been reported in the literature in individuals with CASR-related conditions. This variant is not present in population databases (ExAC no frequency). This variant, c.2904_2924del, results in the deletion of 7 amino acid(s) of the CASR protein (p.Gly969_Phe975del), but otherwise preserves the integrity of the reading frame.